The following is an entry in ClinVar:

ClinVar aggregate classification (germline): Uncertain significance (1 of 4 stars; one submission).

Allele frequency attached by ClinVar (database versions not stated): gnomAD exomes 0.00001.
gnomAD v4.1: 3 of 1,614,096 alleles (0.00019%); highest among the groups gnomAD compares: Non-Finnish European, 0.00025%; no homozygotes.

Submission:

Labcorp Genetics (formerly Invitae), Labcorp
Classification: Uncertain significance. Last evaluated: 2022-03-18. Review status: criteria provided, single submitter. Criteria: Invitae Variant Classification Sherloc (09022015). Collection method: clinical testing. Allele origin: germline.
Comment: This sequence change replaces tryptophan, which is neutral and slightly polar, with cysteine, which is neutral and slightly polar, at codon 1030 of the ARHGEF10 protein (p.Trp1030Cys). This variant is present in population databases (no rsID available, gnomAD 0.0009%). This variant has not been reported in the literature in individuals affected with ARHGEF10-related conditions. Algorithms developed to predict the effect of missense changes on protein structure and function are either unavailable or do not agree on the potential impact of this missense change (SIFT: "Deleterious"; PolyPhen-2: "Probably Damaging"; Align-GVGD: "Class C0"). In summary, the available evidence is currently insufficient to determine the role of this variant in disease. Therefore, it has been classified as a Variant of Uncertain Significance.

NM_014629.4(ARHGEF10):c.3090G>C (p.Trp1030Cys)

Gene: ARHGEF10 (Rho guanine nucleotide exchange factor 10; plus strand). Cytogenetic location: 8p23.3.
Variant type: single nucleotide variant.
Coding change: c.3090G>C on transcript NM_014629.4 (MANE Select); coding-DNA position 3090, G replaced by C.
Protein change: p.Trp1030Cys; replaces tryptophan 1030 with cysteine.
Molecular consequence: missense variant.
Genome position (GRCh38, 1-based): chr8:1,933,810, G>C. VCF-style: chr8-1933810-G-C. GRCh37 (hg19) VCF-style: chr8-1881976-G-C.
Other names: c.2976G>C, p.Trp992Cys (NM_001308152.2); c.3090G>C, p.Trp1030Cys (NM_001308153.3); short protein forms W1054C, W1030C, W992C.
Identifiers: ClinVar variation 1941039 (VCV001941039.2), dbSNP rs1381551862, ClinGen allele CA369970477.